The following is an entry in ClinVar:

NM_015073.3(SIPA1L3):c.4725C>T (p.Ser1575=)

Gene: SIPA1L3 (signal induced proliferation associated 1 like 3; plus strand). Cytogenetic location: 19q13.13.
Variant type: single nucleotide variant.
Coding change: c.4725C>T on transcript NM_015073.3 (MANE Select); coding-DNA position 4725, C replaced by T.
Protein change: p.Ser1575=; no amino-acid change (serine 1575 retained).
Molecular consequence: synonymous variant.
Genome position (GRCh38, 1-based): chr19:38,193,665, C>T. VCF-style: chr19-38193665-C-T. GRCh37 (hg19) VCF-style: chr19-38684305-C-T.
Identifiers: ClinVar variation 733753 (VCV000733753.7), dbSNP rs374666172, ClinGen allele CA9410449.

ClinVar aggregate classification (germline): Benign. Review status: criteria provided, single submitter (1 of 4 stars). 2 submissions from 2 submitters: Benign (1). 1 of the submissions does not count toward it. Last evaluated 2024-04-24.

Conditions:
SIPA1L3-related disorder. Also called: SIPA1L3-related condition.

Allele frequency attached by ClinVar (database versions not stated): 1000 Genomes Project 30x 0.00031; gnomAD exomes 0.00026; 1000 Genomes Project 0.00040; gnomAD 0.00132 and 0.00121; ExAC 0.00050; TOPMed 0.00133; ESP Exome Variant Server 0.00134.
gnomAD v4.1: 344 of 1,581,354 alleles (0.022%); highest among the groups gnomAD compares: African/African-American, 0.42%; 2 homozygotes.

Submissions (2):

Labcorp Genetics (formerly Invitae), Labcorp
Classification: Benign. Last evaluated: 2024-04-24. Review status: criteria provided, single submitter. Criteria: Invitae Variant Classification Sherloc (09022015). Collection method: clinical testing. Allele origin: germline.

PreventionGenetics, part of Exact Sciences
Classification: Likely benign for SIPA1L3-related condition. Last evaluated: 2019-03-26. Review status: no assertion criteria provided. Collection method: clinical testing. Allele origin: germline. Not counted in ClinVar's aggregate classification.
Comment: This variant is classified as likely benign based on ACMG/AMP sequence variant interpretation guidelines (Richards et al. 2015 PMID: 25741868, with internal and published modifications).